The following is an entry in ClinVar:

ClinVar aggregate classification (germline): Likely benign. Review status: criteria provided, multiple submitters, no conflicts (2 of 4 stars). 2 submissions from 2 submitters: Likely benign (2). Last evaluated 2026-09-01.

Allele frequency attached by ClinVar (database versions not stated): gnomAD exomes 0.00004 and 0.00006; gnomAD 0.00005; TOPMed 0.00007; ExAC 0.00008; ESP Exome Variant Server 0.00008.
gnomAD v4.1: 68 of 1,613,922 alleles (0.0042%); highest among the groups gnomAD compares: South Asian, 0.027%; no homozygotes.

Submissions (2):

CeGaT Center for Human Genetics Tuebingen
Classification: Likely benign. Last evaluated: 2026-09-01. Review status: criteria provided, single submitter. Criteria: CeGaT Center For Human Genetics Tuebingen Variant Classification Criteria Version 2. Collection method: clinical testing. Allele origin: germline. Affected: yes. Observed: 1 variant allele.
Comment: ARID1B: BP4, BS2

Labcorp Genetics (formerly Invitae), Labcorp
Classification: Likely benign. Last evaluated: 2023-09-22. Review status: criteria provided, single submitter. Criteria: Invitae Variant Classification Sherloc (09022015). Collection method: clinical testing. Allele origin: germline.

NM_001374828.1(ARID1B):c.4717G>A (p.Gly1573Ser)

Gene: ARID1B (AT-rich interaction domain 1B; plus strand). Cytogenetic location: 6q25.3.
Variant type: single nucleotide variant.
Coding change: c.4717G>A on transcript NM_001374828.1 (MANE Select); coding-DNA position 4717, G replaced by A.
Protein change: p.Gly1573Ser; replaces glycine 1573 with serine.
Molecular consequence: missense variant.
Genome position (GRCh38, 1-based): chr6:157,200,942, G>A. VCF-style: chr6-157200942-G-A. GRCh37 (hg19) VCF-style: chr6-157522076-G-A.
Other names: c.2218G>A, p.Gly740Ser (NM_001363725.2); c.4597G>A, p.Gly1533Ser (NM_001371656.1, NM_001374820.1); c.4558G>A, p.Gly1520Ser (NM_017519.3); short protein forms G1573S, G1520S, G1533S, G740S.
Identifiers: ClinVar variation 1397460 (VCV001397460.9), dbSNP rs376207220, ClinGen allele CA4067692.